The following is an entry in ClinVar:

ClinVar aggregate classification (germline): Pathogenic. Review status: criteria provided, multiple submitters, no conflicts (2 of 4 stars). 2 submissions from 2 submitters: Pathogenic (2). Last evaluated 2025-12-03.

Conditions:
Mucopolysaccharidosis, MPS-II (MPS2). Also called: Hunter Syndrome; IDURONATE 2-SULFATASE DEFICIENCY; Mucopolysaccharidosis Type II; IDS deficiency; Sulfoiduronate sulfatase deficiency; SIDS deficiency. Identifiers: Orphanet 580, Orphanet 79388, MedGen C0026705, MONDO:0010674, OMIM 309900.

Submissions (2):

Labcorp Genetics (formerly Invitae), Labcorp
Classification: Pathogenic for Mucopolysaccharidosis, MPS-II. Last evaluated: 2025-12-03. Review status: criteria provided, single submitter. Criteria: Invitae Variant Classification Sherloc (09022015). Collection method: clinical testing. Allele origin: germline.
Comment: This sequence change creates a premature translational stop signal (p.Asn280Glnfs*60) in the IDS gene. It is expected to result in an absent or disrupted protein product. Loss-of-function variants in IDS are known to be pathogenic (PMID: 8940265, 9875019). This variant is not present in population databases (gnomAD no frequency). This variant has not been reported in the literature in individuals affected with IDS-related conditions. ClinVar contains an entry for this variant (Variation ID: 860237). For these reasons, this variant has been classified as Pathogenic.

Laboratory of Diagnosis and Therapy of Lysosomal Disorders, University of Padova
Classification: Pathogenic for Mucopolysaccharidosis, MPS-II. Last evaluated: 2024-06-07. Review status: criteria provided, single submitter. Criteria: ACMG Guidelines, 2015. Collection method: literature only. Allele origin: germline. Affected: yes. Observed: 1 variant allele.
Comment: Null variant (PVS1_VeryStrong), Absent from controls (or at low frequency) in gnomAD database (PM2_Moderate), Patient’s phenotype or family history highly specific for the disease (PP4_Strong)

Classification method: ACMG Guidelines [PMID:25741868] with modifications

Literature cited by the submitters: PubMed 8940265 (cited by Labcorp Genetics (formerly Invitae), Labcorp); PubMed 9875019 (cited by Labcorp Genetics (formerly Invitae), Labcorp); PubMed 35225932 (cited by Laboratory of Diagnosis and Therapy of Lysosomal Disorders, University of Padova).

NM_000202.8(IDS):c.838_842del (p.Asn280fs)

Genes: IDS (iduronate 2-sulfatase; minus strand), LOC106050102 (IDS recombination region; plus strand). Cytogenetic location: Xq28.
Variant type: Deletion.
Coding change: c.838_842del on transcript NM_000202.8 (MANE Select); coding-DNA positions 838 to 842, 5 bases deleted (AACAT; older notation c.838_842delAACAT).
Protein change: p.Asn280fs; shifts the reading frame from asparagine 280.
Molecular consequence: frameshift variant. On other transcripts: non-coding transcript variant (1).
Genome position (GRCh38, 1-based): chrX:149,496,383-149,496,387, ATGTT deleted on the plus strand (AACAT on the coding strand, the reverse complement: IDS is on the minus strand). VCF-style (leftmost placement, unchanged base first): chrX-149496382-GATGTT-G. GRCh37 (hg19) VCF-style: chrX-148577913-GATGTT-G.
Other names: c.568_572del, p.Asn190fs (NM_001166550.4); c.838_842del, p.Asn280fs (NM_006123.5); short protein forms N280fs, N190fs.
Identifiers: ClinVar variation 860237 (VCV000860237.9), dbSNP rs2089436271, ClinGen allele CA916084007.
Genomic context (GRCh38, chrX:149,496,382, plus strand): 5'-ATCCCCAAACTATGTCCTTGATACCTGAAAGTCCACAGGAATTGGACCATACGGCACACT[GATGTT>G]TAAGGCTTGGACGTCTTCCCGTTGCCTGATGTCCATCCAGGGGTTGTAGGCCACAGGGGG-3'